The following is an entry in ClinVar:

ClinVar aggregate classification (germline): Uncertain significance. Review status: criteria provided, multiple submitters, no conflicts (2 of 4 stars). 2 submissions from 2 submitters: Uncertain significance (2). Last evaluated 2025-10-20.

Conditions:
Rhabdoid tumor predisposition syndrome 2 (RTPS2). Identifiers: Orphanet 231108, Orphanet 69077, MedGen C2750074, MONDO:0013224, OMIM 613325.
Hereditary cancer-predisposing syndrome. Also called: Neoplastic Syndromes, Hereditary; Hereditary Cancer Syndrome; Tumor predisposition; Hereditary neoplastic syndrome. Identifiers: Orphanet 140162, MedGen C0027672, MeSH D009386, MONDO:0015356.

Submissions (2):

Labcorp Genetics (formerly Invitae), Labcorp
Classification: Uncertain significance for Rhabdoid tumor predisposition syndrome 2. Last evaluated: 2025-10-20. Review status: criteria provided, single submitter. Criteria: Invitae Variant Classification Sherloc (09022015). Collection method: clinical testing. Allele origin: germline.
Comment: This sequence change replaces isoleucine, which is neutral and non-polar, with valine, which is neutral and non-polar, at codon 873 of the SMARCA4 protein (p.Ile873Val). This variant is not present in population databases (gnomAD no frequency). This variant has not been reported in the literature in individuals affected with SMARCA4-related conditions. ClinVar contains an entry for this variant (Variation ID: 1524446). An algorithm developed to predict the effect of missense changes on protein structure and function (PolyPhen-2) suggests that this variant is likely to be tolerated. In summary, the available evidence is currently insufficient to determine the role of this variant in disease. Therefore, it has been classified as a Variant of Uncertain Significance.

Ambry Genetics
Classification: Uncertain significance for Hereditary cancer-predisposing syndrome. Last evaluated: 2024-11-24. Review status: criteria provided, single submitter. Criteria: Ambry Variant Classification Scheme 2023. Collection method: clinical testing. Allele origin: germline.
Comment: The p.I873V variant (also known as c.2617A>G) is located in coding exon 18 of the SMARCA4 gene. The isoleucine at codon 873 is replaced by valine, an amino acid with highly similar properties. This change occurs in the first base pair of coding exon 18. This amino acid position is conserved. In addition, the in silico prediction for this alteration is inconclusive. Based on the available evidence, the clinical significance of this variant remains unclear.

NM_003072.5(SMARCA4):c.2617A>G (p.Ile873Val)

Gene: SMARCA4 (SWI/SNF related BAF chromatin remodeling complex subunit ATPase 4; plus strand). Cytogenetic location: 19p13.2.
Variant type: single nucleotide variant.
Coding change: c.2617A>G on transcript NM_003072.5 (MANE Select); coding-DNA position 2617, A replaced by G.
Protein change: p.Ile873Val; replaces isoleucine 873 with valine.
Molecular consequence: missense variant. On other transcripts: non-coding transcript variant (1).
Genome position (GRCh38, 1-based): chr19:11,021,725, A>G. VCF-style: chr19-11021725-A-G. GRCh37 (hg19) VCF-style: chr19-11132401-A-G.
Other names: c.2617A>G, p.Ile873Val (NM_001128847.4, NM_001128848.2, NM_001128849.3 and 5 more transcripts); c.2617A>G (NM_001128849.1); short protein forms I873V.
Identifiers: ClinVar variation 1524446 (VCV001524446.7), dbSNP rs2146414847, ClinGen allele CA404055482.
Genomic context (GRCh38, chr19:11,021,725, plus strand): 5'-TCCCCATGTGCCGGGCCACCTGCTGCCCCCTGCCCTGATTGCCCACTCTGGGGCCCGCAG[A>G]TCCGTTGGAAGTACATGATTGTGGACGAAGGTCACCGCATGAAGAACCACCACTGCAAGC-3'
Protein context (NP_003063.2, residues 863-883): IIKDKHILAK[Ile873Val]RWKYMIVDEG